The following is an entry in ClinVar:

ClinVar aggregate classification (germline): Uncertain significance (1 of 4 stars; one submission).

Conditions:
Developmental and epileptic encephalopathy, 53. Also called: Epileptic encephalopathy, early infantile, 53. Identifiers: MedGen C4479313, MONDO:0033362, OMIM 617389.
Early-onset Parkinson disease 20. Also called: PARKINSON DISEASE 20, AUTOSOMAL RECESSIVE EARLY-ONSET. Identifiers: Orphanet 391411, MedGen C3809824, MONDO:0014233, OMIM 615530.

Submission:

Labcorp Genetics (formerly Invitae), Labcorp
Classification: Uncertain significance for Developmental and epileptic encephalopathy, 53; Early-onset Parkinson disease 20. Last evaluated: 2022-02-25. Review status: criteria provided, single submitter. Criteria: Invitae Variant Classification Sherloc (09022015). Collection method: clinical testing. Allele origin: germline.
Comment: Algorithms developed to predict the effect of missense changes on protein structure and function are either unavailable or do not agree on the potential impact of this missense change (SIFT: "Tolerated"; PolyPhen-2: "Probably Damaging"; Align-GVGD: "Class C0"). This variant has not been reported in the literature in individuals affected with SYNJ1-related conditions. This variant is not present in population databases (gnomAD no frequency). This sequence change replaces alanine, which is neutral and non-polar, with threonine, which is neutral and polar, at codon 891 of the SYNJ1 protein (p.Ala891Thr). In summary, the available evidence is currently insufficient to determine the role of this variant in disease. Therefore, it has been classified as a Variant of Uncertain Significance.

NM_203446.3(SYNJ1):c.2554G>A (p.Ala852Thr)

Gene: SYNJ1 (synaptojanin 1; minus strand). Cytogenetic location: 21q22.11.
Variant type: single nucleotide variant.
Coding change: c.2554G>A on transcript NM_203446.3 (MANE Select); coding-DNA position 2554, G replaced by A.
Protein change: p.Ala852Thr; replaces alanine 852 with threonine.
Molecular consequence: missense variant.
Genome position (GRCh38, 1-based): chr21:32,657,028, C>T on the plus strand (G>A on the coding strand, the complement: SYNJ1 is on the minus strand). VCF-style: chr21-32657028-C-T. GRCh37 (hg19) VCF-style: chr21-34029338-C-T.
Other names: c.2671G>A, p.Ala891Thr (NM_003895.4); c.2554G>A, p.Ala852Thr (NM_001160302.2); c.2539G>A, p.Ala847Thr (NM_001160306.2); short protein forms A847T, A852T, A891T.
Identifiers: ClinVar variation 2103680 (VCV002103680.4), dbSNP rs2517533267, ClinGen allele CA410074229.
Genomic context (GRCh38, chr21:32,657,028, plus strand): 5'-TCAAACACTATTAGAAAAACTGAGACTGCTTAAACCTGTGGTCAGAAGTCTTCAGCTCAG[C>T]TCTTCCATAGTGCAGCAAAGTGCCTGGAGTCCACGTGTACAGAATTTTGCTTTCATCTTG-3'
Protein context (NP_982271.3, residues 842-862): TPGTLLHYGR[Ala852Thr]ELKTSDHRPV